The following is an entry in ClinVar:

ClinVar aggregate classification (germline): Uncertain significance (1 of 4 stars; one submission).

Allele frequency attached by ClinVar (database versions not stated): TOPMed below 0.00001.
gnomAD v4.1: 3 of 1,613,404 alleles (0.00019%); highest among the groups gnomAD compares: Non-Finnish European, 0.00025%; no homozygotes.

Submission:

Labcorp Genetics (formerly Invitae), Labcorp
Classification: Uncertain significance. Last evaluated: 2022-12-27. Review status: criteria provided, single submitter. Criteria: Invitae Variant Classification Sherloc (09022015). Collection method: clinical testing. Allele origin: germline.
Comment: This sequence change replaces alanine, which is neutral and non-polar, with valine, which is neutral and non-polar, at codon 44 of the INTU protein (p.Ala44Val). In summary, the available evidence is currently insufficient to determine the role of this variant in disease. Therefore, it has been classified as a Variant of Uncertain Significance. Algorithms developed to predict the effect of sequence changes on RNA splicing suggest that this variant may disrupt the consensus splice site. Advanced modeling of protein sequence and biophysical properties (such as structural, functional, and spatial information, amino acid conservation, physicochemical variation, residue mobility, and thermodynamic stability) performed at Invitae indicates that this missense variant is not expected to disrupt INTU protein function. This variant has not been reported in the literature in individuals affected with INTU-related conditions. This variant is present in population databases (rs758891206, gnomAD 0.0009%).

NM_015693.4(INTU):c.131C>T (p.Ala44Val)

Gene: INTU (inturned planar cell polarity protein; plus strand). Cytogenetic location: 4q28.1.
Variant type: single nucleotide variant.
Coding change: c.131C>T on transcript NM_015693.4 (MANE Select); coding-DNA position 131, C replaced by T.
Protein change: p.Ala44Val; replaces alanine 44 with valine.
Molecular consequence: missense variant.
Genome position (GRCh38, 1-based): chr4:127,633,165, C>T. VCF-style: chr4-127633165-C-T. GRCh37 (hg19) VCF-style: chr4-128554320-C-T.
Other names: short protein forms A44V.
Identifiers: ClinVar variation 2973772 (VCV002973772.3), dbSNP rs758891206, ClinGen allele CA3074712.
Genomic context (GRCh38, chr4:127,633,165, plus strand): 5'-AAGAAGATGAGGACTATGATTTTGAAGATCGGGTCAGCGACTCGGGTTCATATTCCTCAG[C>T]GAGTAGCGATTATGAGTAAGGTTTTCAAAGAGGGACAATTAATCCCATCCCATCAATCCA-3'
Protein context (NP_056508.2, residues 34-54): RVSDSGSYSS[Ala44Val]SSDYDDLEPE